The following is an entry in ClinVar:

ClinVar aggregate classification (germline): Uncertain significance (1 of 4 stars; one submission).

Submission:

Labcorp Genetics (formerly Invitae), Labcorp
Classification: Uncertain significance. Last evaluated: 2022-09-26. Review status: criteria provided, single submitter. Criteria: Invitae Variant Classification Sherloc (09022015). Collection method: clinical testing. Allele origin: germline.
Comment: In summary, the available evidence is currently insufficient to determine the role of this variant in disease. Therefore, it has been classified as a Variant of Uncertain Significance. This sequence change creates a premature translational stop signal (p.Ser455Alafs*63) in the EGF gene. It is expected to result in an absent or disrupted protein product. However, the current clinical and genetic evidence is not sufficient to establish whether loss-of-function variants in EGF cause disease. This variant is not present in population databases (gnomAD no frequency). This variant has not been reported in the literature in individuals affected with EGF-related conditions.

NM_001963.6(EGF):c.1363del (p.Ser455fs)

Gene: EGF (epidermal growth factor; plus strand). Cytogenetic location: 4q25.
Variant type: Deletion.
Coding change: c.1363del on transcript NM_001963.6 (MANE Select); coding-DNA position 1363, one base deleted (A; older notation c.1363delA).
Protein change: p.Ser455fs; shifts the reading frame from serine 455.
Molecular consequence: frameshift variant.
Genome position (GRCh38, 1-based): chr4:109,963,223, A deleted. VCF-style (leftmost placement, unchanged base first): chr4-109963222-TA-T. GRCh37 (hg19) VCF-style: chr4-110884378-TA-T.
Other names: c.1363del, p.Ser455fs (NM_001178130.3); c.1237del, p.Ser413fs (NM_001178131.3, NM_001357021.2); short protein forms S455fs, S413fs.
Identifiers: ClinVar variation 2030407 (VCV002030407.4), dbSNP rs2545785187, ClinGen allele CA2580071349.